The following is an entry in ClinVar:

ClinVar aggregate classification (germline): Uncertain significance (1 of 4 stars; one submission).

Conditions:
Epidermodysplasia verruciformis. Identifiers: Orphanet 302, MedGen C0014522, MONDO:0009176.

Allele frequency attached by ClinVar (database versions not stated): gnomAD exomes 0.00002; ExAC 0.00003.
gnomAD v4.1: 5 of 1,613,028 alleles (0.00031%); highest among the groups gnomAD compares: Admixed American, 0.0083%; no homozygotes.

Submission:

Labcorp Genetics (formerly Invitae), Labcorp
Classification: Uncertain significance for Epidermodysplasia verruciformis. Last evaluated: 2022-06-27. Review status: criteria provided, single submitter. Criteria: Invitae Variant Classification Sherloc (09022015). Collection method: clinical testing. Allele origin: germline.
Comment: This sequence change replaces arginine, which is basic and polar, with serine, which is neutral and polar, at codon 114 of the TMC8 protein (p.Arg114Ser). This variant is present in population databases (rs769970838, gnomAD 0.009%). This variant has not been reported in the literature in individuals affected with TMC8-related conditions. Algorithms developed to predict the effect of missense changes on protein structure and function are either unavailable or do not agree on the potential impact of this missense change (SIFT: "Deleterious"; PolyPhen-2: "Probably Damaging"; Align-GVGD: "Class C0"). Algorithms developed to predict the effect of sequence changes on RNA splicing suggest that this variant may create or strengthen a splice site. In summary, the available evidence is currently insufficient to determine the role of this variant in disease. Therefore, it has been classified as a Variant of Uncertain Significance.

NM_152468.5(TMC8):c.340C>A (p.Arg114Ser)

Genes: TMC6 (transmembrane channel like 6; minus strand), TMC8 (transmembrane channel like 8; plus strand), LOC130061793 (ATAC-STARR-seq lymphoblastoid silent region 9044; plus strand). Cytogenetic location: 17q25.3.
Variant type: single nucleotide variant.
Coding change: c.340C>A on transcript NM_152468.5 (MANE Select); coding-DNA position 340, C replaced by A.
Protein change: p.Arg114Ser; replaces arginine 114 with serine.
Molecular consequence: missense variant. On other transcripts: 5 prime UTR variant (1).
Genome position (GRCh38, 1-based): chr17:78,132,400, C>A. VCF-style: chr17-78132400-C-A. GRCh37 (hg19) VCF-style: chr17-76128481-C-A.
Other names: c.-134G>T (NM_007267.7); short protein forms R114S.
Identifiers: ClinVar variation 1373172 (VCV001373172.6), dbSNP rs769970838, ClinGen allele CA8796415.